The following is an entry in ClinVar:

ClinVar aggregate classification (germline): Uncertain significance. Review status: criteria provided, multiple submitters, no conflicts (2 of 4 stars). 4 submissions from 4 submitters: Uncertain significance (4). Last evaluated 2025-11-17.

Conditions:
Hereditary cancer-predisposing syndrome. Also called: Tumor predisposition; Hereditary Cancer Syndrome; Hereditary neoplastic syndrome; Neoplastic Syndromes, Hereditary. Identifiers: Orphanet 140162, MedGen C0027672, MeSH D009386, MONDO:0015356.
Familial adenomatous polyposis 1 (FAP1). Also called: FAMILIAL ADENOMATOUS POLYPOSIS 1, ATTENUATED; POLYPOSIS, ADENOMATOUS INTESTINAL. Identifiers: MedGen C2713442, MONDO:0021056, OMIM 175100. Disease mechanism: loss of function.

gnomAD v4.1: 4 of 1,613,660 alleles (0.00025%); highest among the groups gnomAD compares: African/African-American, 0.0013%; no homozygotes.

Submissions (4):

Labcorp Genetics (formerly Invitae), Labcorp
Classification: Uncertain significance for Familial adenomatous polyposis 1. Last evaluated: 2025-11-17. Review status: criteria provided, single submitter. Criteria: Invitae Variant Classification Sherloc (09022015). Collection method: clinical testing. Allele origin: germline.
Comment: This sequence change replaces alanine, which is neutral and non-polar, with serine, which is neutral and polar, at codon 2046 of the APC protein (p.Ala2046Ser). This variant is not present in population databases (gnomAD no frequency). This variant has not been reported in the literature in individuals affected with APC-related conditions. ClinVar contains an entry for this variant (Variation ID: 411347). Invitae Evidence Modeling of protein sequence and biophysical properties (such as structural, functional, and spatial information, amino acid conservation, physicochemical variation, residue mobility, and thermodynamic stability) has been performed for this missense variant. However, the output from this modeling did not meet the statistical confidence thresholds required to predict the impact of this variant on APC protein function. In summary, the available evidence is currently insufficient to determine the role of this variant in disease. Therefore, it has been classified as a Variant of Uncertain Significance.

Color Diagnostics, LLC DBA Color Health
Classification: Uncertain significance for Hereditary cancer-predisposing syndrome. Last evaluated: 2025-03-04. Review status: criteria provided, single submitter. Criteria: ACMG Guidelines, 2015. Collection method: clinical testing. Allele origin: germline.
Comment: This missense variant replaces alanine with serine at codon 2046 of the APC protein. Computational prediction suggests that this variant may have deleterious impact on protein structure and function. To our knowledge, functional studies have not been reported for this variant. This variant has been reported in an individual affected with colorectal cancer (PMID: 28195393). This variant has not been identified in the general population by the Genome Aggregation Database (gnomAD). The available evidence is insufficient to determine the role of this variant in disease conclusively. Therefore, this variant is classified as a Variant of Uncertain Significance.

Ambry Genetics
Classification: Uncertain significance for Hereditary cancer-predisposing syndrome. Last evaluated: 2025-01-06. Review status: criteria provided, single submitter. Criteria: Ambry Variant Classification Scheme 2023. Collection method: clinical testing. Allele origin: germline.
Comment: The p.A2046S variant (also known as c.6136G>T), located in coding exon 15 of the APC gene, results from a G to T substitution at nucleotide position 6136. The alanine at codon 2046 is replaced by serine, an amino acid with similar properties. This amino acid position is highly conserved in available vertebrate species. In addition, in silico predictors for this gene do not accurately predict pathogenicity. Since supporting evidence is limited at this time, the clinical significance of this alteration remains unclear.

Baylor Genetics
Classification: Uncertain significance for Familial adenomatous polyposis 1. Last evaluated: 2023-10-06. Review status: criteria provided, single submitter. Criteria: ACMG Guidelines, 2015. Collection method: clinical testing. Allele origin: unknown.

Literature cited by the submitters: PubMed 28195393 (cited by Color Diagnostics, LLC DBA Color Health).

NM_000038.6(APC):c.6136G>T (p.Ala2046Ser)

Gene: APC (APC regulator of Wnt signaling pathway; plus strand). Cytogenetic location: 5q22.2.
Variant type: single nucleotide variant.
Coding change: c.6136G>T on transcript NM_000038.6 (MANE Select); coding-DNA position 6136, G replaced by T.
Protein change: p.Ala2046Ser; replaces alanine 2046 with serine.
Molecular consequence: missense variant.
Genome position (GRCh38, 1-based): chr5:112,841,730, G>T. VCF-style: chr5-112841730-G-T. GRCh37 (hg19) VCF-style: chr5-112177427-G-T.
Other names: c.6136G>T, p.Ala2046Ser (NM_001127510.3, NM_001354895.2); c.6082G>T, p.Ala2028Ser (NM_001127511.3); c.6190G>T, p.Ala2064Ser (NM_001354896.2); c.6166G>T, p.Ala2056Ser (NM_001354897.2); c.6061G>T, p.Ala2021Ser (NM_001354898.2); c.6052G>T, p.Ala2018Ser (NM_001354899.2); c.6013G>T, p.Ala2005Ser (NM_001354900.2); c.5959G>T, p.Ala1987Ser (NM_001354901.2); and 5 more; short protein forms A2028S, A2046S, A1955S, A1763S, A1920S, A2018S, A1945S, A1987S.
Identifiers: ClinVar variation 411347 (VCV000411347.15), dbSNP rs770406711, ClinGen allele CA16034764.